The following is an entry in ClinVar:

NM_001041.4(SI):c.5375A>G (p.Asn1792Ser)

Gene: SI (sucrase-isomaltase; minus strand). Cytogenetic location: 3q26.1.
Variant type: single nucleotide variant.
Coding change: c.5375A>G on transcript NM_001041.4 (MANE Select); coding-DNA position 5375, A replaced by G.
Protein change: p.Asn1792Ser; replaces asparagine 1792 with serine.
Molecular consequence: missense variant.
Genome position (GRCh38, 1-based): chr3:164,982,283, T>C on the plus strand (A>G on the coding strand, the complement: SI is on the minus strand). VCF-style: chr3-164982283-T-C. GRCh37 (hg19) VCF-style: chr3-164700071-T-C.
Other names: short protein forms N1792S.
Identifiers: ClinVar variation 1391209 (VCV001391209.8), dbSNP rs2108108260, ClinGen allele CA355107429.

ClinVar aggregate classification (germline): Uncertain significance (1 of 4 stars; one submission).

Allele frequency attached by ClinVar (database versions not stated): gnomAD exomes below 0.00001.
gnomAD v4.1: 3 of 1,613,138 alleles (0.00019%); highest among the groups gnomAD compares: Non-Finnish European, 0.00025%; no homozygotes.

Submission:

Labcorp Genetics (formerly Invitae), Labcorp
Classification: Uncertain significance. Last evaluated: 2021-04-27. Review status: criteria provided, single submitter. Criteria: Invitae Variant Classification Sherloc (09022015). Collection method: clinical testing. Allele origin: germline.
Comment: In summary, the available evidence is currently insufficient to determine the role of this variant in disease. Therefore, it has been classified as a Variant of Uncertain Significance. Algorithms developed to predict the effect of sequence changes on RNA splicing suggest that this variant may create or strengthen a splice site, but this prediction has not been confirmed by published transcriptional studies. Advanced modeling of protein sequence and biophysical properties (such as structural, functional, and spatial information, amino acid conservation, physicochemical variation, residue mobility, and thermodynamic stability) performed at Invitae indicates that this missense variant is not expected to disrupt SI protein function. This variant has not been reported in the literature in individuals with SI-related conditions. This variant is not present in population databases (ExAC no frequency). This sequence change replaces asparagine with serine at codon 1792 of the SI protein (p.Asn1792Ser). The asparagine residue is moderately conserved and there is a small physicochemical difference between asparagine and serine.